The following is an entry in ClinVar:

NM_000453.3(SLC5A5):c.237G>A (p.Glu79=)

Gene: SLC5A5 (solute carrier family 5 member 5; plus strand). Cytogenetic location: 19p13.11.
Variant type: single nucleotide variant.
Coding change: c.237G>A on transcript NM_000453.3 (MANE Select); coding-DNA position 237, G replaced by A.
Protein change: p.Glu79=; no amino-acid change (glutamic acid 79 retained).
Molecular consequence: synonymous variant.
Genome position (GRCh38, 1-based): chr19:17,872,556, G>A. VCF-style: chr19-17872556-G-A. GRCh37 (hg19) VCF-style: chr19-17983365-G-A.
Other names: c.237G>A (NM_000453.2).
Identifiers: ClinVar variation 3002461 (VCV003002461.5), dbSNP rs560855694, ClinGen allele CA9302662.

ClinVar aggregate classification (germline): Likely benign. Review status: criteria provided, single submitter (1 of 4 stars). 2 submissions from 2 submitters: Likely benign (1). 1 of the submissions does not count toward it. Last evaluated 2024-03-02.

Conditions:
SLC5A5-related disorder. Also called: SLC5A5-related condition.

Allele frequency attached by ClinVar (database versions not stated): TOPMed below 0.00001; gnomAD 0.00003; gnomAD exomes 0.00004; ExAC 0.00011; 1000 Genomes Project 0.00060; 1000 Genomes Project 30x 0.00062.
gnomAD v4.1: 56 of 1,612,846 alleles (0.0035%); highest among the groups gnomAD compares: South Asian, 0.058%; no homozygotes.

Submissions (2):

Labcorp Genetics (formerly Invitae), Labcorp
Classification: Likely benign. Last evaluated: 2024-03-02. Review status: criteria provided, single submitter. Criteria: Invitae Variant Classification Sherloc (09022015). Collection method: clinical testing. Allele origin: germline.

PreventionGenetics, part of Exact Sciences
Classification: Likely benign for SLC5A5-related condition. Last evaluated: 2019-04-22. Review status: no assertion criteria provided. Collection method: clinical testing. Allele origin: germline. Not counted in ClinVar's aggregate classification.
Comment: This variant is classified as likely benign based on ACMG/AMP sequence variant interpretation guidelines (Richards et al. 2015 PMID: 25741868, with internal and published modifications).